The following is an entry in ClinVar:

ClinVar aggregate classification (germline): Pathogenic (1 of 4 stars; one submission).

Conditions:
Hajdu-Cheney syndrome (HJCYS). Also called: Acroosteolysis dominant type; ACROOSTEOLYSIS WITH OSTEOPOROSIS AND CHANGES IN SKULL AND MANDIBLE; SERPENTINE FIBULA-POLYCYSTIC KIDNEY SYNDROME. Identifiers: Orphanet 955, MedGen C0917715, MONDO:0007057, OMIM 102500.

Submission:

Labcorp Genetics (formerly Invitae), Labcorp
Classification: Pathogenic for Hajdu-Cheney syndrome. Last evaluated: 2024-08-29. Review status: criteria provided, single submitter. Criteria: Invitae Variant Classification Sherloc (09022015). Collection method: clinical testing. Allele origin: germline.
Comment: This sequence change creates a premature translational stop signal (p.Pro2150Argfs*2) in the NOTCH2 gene. While this is not anticipated to result in nonsense mediated decay, it is expected to disrupt the last 322 amino acid(s) of the NOTCH2 protein. This variant is not present in population databases (gnomAD no frequency). This premature translational stop signal has been observed in individual(s) with Hajdu-Cheney syndrome (HCS) (PMID: 21378985, 21378989; internal data). In at least one individual the variant was observed to be de novo. ClinVar contains an entry for this variant (Variation ID: 463176). This protein change is located in a region of the NOTCH2 protein where a significant number of previously reported NOTCH2 nonsense and frameshift mutations are found (PMID: 21378985, 23389697, 26627824). For these reasons, this variant has been classified as Pathogenic.

Literature cited by the submitters: PubMed 21378985; PubMed 21378989; PubMed 23389697; PubMed 26627824.

NM_024408.4(NOTCH2):c.6449_6450del (p.Pro2150fs)

Gene: NOTCH2 (notch receptor 2; minus strand). Cytogenetic location: 1p12.
Variant type: Deletion.
Coding change: c.6449_6450del on transcript NM_024408.4 (MANE Select); coding-DNA positions 6449 to 6450, 2 bases deleted (CT; older notation c.6449_6450delCT).
Protein change: p.Pro2150fs; shifts the reading frame from proline 2150.
Molecular consequence: frameshift variant.
Genome position (GRCh38, 1-based): chr1:119,916,272-119,916,273, AG deleted on the plus strand (CT on the coding strand, the reverse complement: NOTCH2 is on the minus strand). VCF-style (leftmost placement, unchanged base first): chr1-119916271-CAG-C. GRCh37 (hg19) VCF-style: chr1-120458894-CAG-C.
Other names: short protein forms P2150fs.
Identifiers: ClinVar variation 463176 (VCV000463176.9), dbSNP rs1553193574, ClinGen allele CA658656954.